The following is an entry in ClinVar:

NM_000465.4(BARD1):c.42C>G (p.Ile14Met)

Gene: BARD1 (BRCA1 associated RING domain 1; minus strand). Cytogenetic location: 2q35.
Variant type: single nucleotide variant.
Coding change: c.42C>G on transcript NM_000465.4 (MANE Select); coding-DNA position 42, C replaced by G.
Protein change: p.Ile14Met; replaces isoleucine 14 with methionine.
Molecular consequence: missense variant. On other transcripts: non-coding transcript variant (3).
Genome position (GRCh38, 1-based): chr2:214,809,528, G>C on the plus strand (C>G on the coding strand, the complement: BARD1 is on the minus strand). VCF-style: chr2-214809528-G-C. GRCh37 (hg19) VCF-style: chr2-215674252-G-C.
Other names: c.42C>G, p.Ile14Met (NM_001282543.2, NM_001282545.2, NM_001282548.2 and 1 more transcripts); short protein forms I14M.
Identifiers: ClinVar variation 943015 (VCV000943015.10), dbSNP rs746266678, ClinGen allele CA350465312.

ClinVar aggregate classification (germline): Uncertain significance. Review status: criteria provided, multiple submitters, no conflicts (2 of 4 stars). 2 submissions from 2 submitters: Uncertain significance (2). Last evaluated 2022-01-26.

Conditions:
Familial cancer of breast. Also called: hereditary breast carcinoma; BREAST CANCER, FAMILIAL; Hereditary breast cancer. Identifiers: Orphanet 227535, MedGen C0346153, MONDO:0016419, OMIM 114480. Disease mechanism: loss of function.
Hereditary cancer-predisposing syndrome. Also called: Neoplastic Syndromes, Hereditary; Hereditary Cancer Syndrome; Tumor predisposition; Hereditary neoplastic syndrome. Identifiers: Orphanet 140162, MedGen C0027672, MeSH D009386, MONDO:0015356.

Submissions (2):

Ambry Genetics
Classification: Uncertain significance for Hereditary cancer-predisposing syndrome. Last evaluated: 2022-01-26. Review status: criteria provided, single submitter. Criteria: Ambry Variant Classification Scheme 2023. Collection method: clinical testing. Allele origin: germline.

Labcorp Genetics (formerly Invitae), Labcorp
Classification: Uncertain significance for Familial cancer of breast. Last evaluated: 2021-08-24. Review status: criteria provided, single submitter. Criteria: Invitae Variant Classification Sherloc (09022015). Collection method: clinical testing. Allele origin: germline.
Comment: This sequence change replaces isoleucine with methionine at codon 14 of the BARD1 protein (p.Ile14Met). The isoleucine residue is weakly conserved and there is a small physicochemical difference between isoleucine and methionine. This variant is not present in population databases (ExAC no frequency). This variant has not been reported in the literature in individuals affected with BARD1-related conditions. Algorithms developed to predict the effect of missense changes on protein structure and function are either unavailable or do not agree on the potential impact of this missense change (SIFT: "Deleterious"; PolyPhen-2: "Benign"; Align-GVGD: "Class C0"). In summary, the available evidence is currently insufficient to determine the role of this variant in disease. Therefore, it has been classified as a Variant of Uncertain Significance.